The following is an entry in ClinVar:

NM_001367624.2(ZNF469):c.7454C>T (p.Pro2485Leu)

Gene: ZNF469 (zinc finger protein 469; plus strand). Cytogenetic location: 16q24.2.
Variant type: single nucleotide variant.
Coding change: c.7454C>T on transcript NM_001367624.2 (MANE Select); coding-DNA position 7454, C replaced by T.
Protein change: p.Pro2485Leu; replaces proline 2485 with leucine.
Molecular consequence: missense variant.
Genome position (GRCh38, 1-based): chr16:88,434,924, C>T. VCF-style: chr16-88434924-C-T. GRCh37 (hg19) VCF-style: chr16-88501332-C-T.
Other names: NM_001127464.1:c.7370C>T; short protein forms P2485L.
Identifiers: ClinVar variation 2547790 (VCV002547790.3), dbSNP rs1378454789, ClinGen allele CA397110296.

ClinVar aggregate classification (germline): Uncertain significance (1 of 4 stars; one submission).

Conditions:
Cardiovascular phenotype. Identifiers: MedGen CN230736.

Allele frequency attached by ClinVar (database versions not stated): gnomAD 0.00001; TOPMed 0.00001.
gnomAD v4.1: 9 of 1,550,052 alleles (0.00058%); highest among the groups gnomAD compares: African/African-American, 0.0027%; no homozygotes.

Submission:

Ambry Genetics
Classification: Uncertain significance for Cardiovascular phenotype. Last evaluated: 2025-02-27. Review status: criteria provided, single submitter. Criteria: Ambry Variant Classification Scheme 2023. Collection method: clinical testing. Allele origin: germline.
Comment: The p.P2457L variant (also known as c.7370C>T), located in coding exon 2 of the ZNF469 gene, results from a C to T substitution at nucleotide position 7370. The proline at codon 2457 is replaced by leucine, an amino acid with similar properties. This amino acid position is conserved. In addition, this alteration is predicted to be tolerated by in silico analysis. Based on the available evidence, the clinical significance of this variant remains unclear.